The following is an entry in ClinVar:

NM_022455.5(NSD1):c.42G>C (p.Leu14=)

Gene: NSD1 (nuclear receptor binding SET domain protein 1; plus strand). Cytogenetic location: 5q35.3.
Variant type: single nucleotide variant.
Coding change: c.42G>C on transcript NM_022455.5 (MANE Select); coding-DNA position 42, G replaced by C.
Protein change: p.Leu14=; no amino-acid change (leucine 14 retained).
Molecular consequence: synonymous variant. On other transcripts: 5 prime UTR variant (7).
Genome position (GRCh38, 1-based): chr5:177,135,145, G>C. VCF-style: chr5-177135145-G-C. GRCh37 (hg19) VCF-style: chr5-176562146-G-C.
Other names: c.-92G>C (NM_001365684.2, NM_001409305.1, NM_001409306.1 and 4 more transcripts); c.42G>C, p.Leu14= (NM_001409301.1, NM_001409302.1, NM_001409303.1 and 1 more transcripts).
Identifiers: ClinVar variation 3053284 (VCV003053284.2), dbSNP rs1756205761, ClinGen allele CA447959359.

ClinVar aggregate classification (germline): Likely benign (0 of 4 stars; one submission).

Conditions:
NSD1-related disorder. Also called: NSD1-related condition.

Submission:

PreventionGenetics, part of Exact Sciences
Classification: Likely benign for NSD1-related condition. Last evaluated: 2019-09-04. Review status: no assertion criteria provided. Collection method: clinical testing. Allele origin: germline.
Comment: This variant is classified as likely benign based on ACMG/AMP sequence variant interpretation guidelines (Richards et al. 2015 PMID: 25741868, with internal and published modifications).